The following is an entry in ClinVar:

NM_005739.4(RASGRP1):c.1780C>T (p.Arg594Ter)

Gene: RASGRP1 (RAS guanyl releasing protein 1; minus strand). Cytogenetic location: 15q14.
Variant type: single nucleotide variant.
Coding change: c.1780C>T on transcript NM_005739.4 (MANE Select); coding-DNA position 1780, C replaced by T.
Protein change: p.Arg594Ter; replaces arginine 594 with a stop codon.
Molecular consequence: nonsense.
Genome position (GRCh38, 1-based): chr15:38,498,887, G>A on the plus strand (C>T on the coding strand, the complement: RASGRP1 is on the minus strand). VCF-style: chr15-38498887-G-A. GRCh37 (hg19) VCF-style: chr15-38791088-G-A.
Other names: c.1675C>T, p.Arg559Ter (NM_001128602.2, NM_001306086.2); short protein forms R559*, R594*.
Identifiers: ClinVar variation 2106438 (VCV002106438.4), dbSNP rs758391429, ClinGen allele CA391662782.

ClinVar aggregate classification (germline): Pathogenic (1 of 4 stars; one submission).

gnomAD v4.1: 2 of 1,613,856 alleles (0.00012%); highest among the groups gnomAD compares: Non-Finnish European, 0.00017%; no homozygotes.

Submission:

Labcorp Genetics (formerly Invitae), Labcorp
Classification: Pathogenic. Last evaluated: 2022-03-04. Review status: criteria provided, single submitter. Criteria: Invitae Variant Classification Sherloc (09022015). Collection method: clinical testing. Allele origin: germline.
Comment: Algorithms developed to predict the effect of sequence changes on RNA splicing suggest that this variant may disrupt the consensus splice site. This sequence change creates a premature translational stop signal (p.Arg594*) in the RASGRP1 gene. It is expected to result in an absent or disrupted protein product. Loss-of-function variants in RASGRP1 are known to be pathogenic (PMID: 11017103, 27776107, 28822832). This variant is not present in population databases (gnomAD no frequency). This variant has not been reported in the literature in individuals affected with RASGRP1-related conditions. For these reasons, this variant has been classified as Pathogenic.

Literature cited by the submitters: PubMed 11017103; PubMed 27776107; PubMed 28822832.